The following is an entry in ClinVar:

ClinVar aggregate classification (germline): Conflicting classifications of pathogenicity. Review status: criteria provided, conflicting classifications (1 of 4 stars). 4 submissions from 4 submitters: Uncertain significance (3); Likely benign (1). Last evaluated 2024-08-19.

Conditions:
Hereditary cancer-predisposing syndrome. Also called: Neoplastic Syndromes, Hereditary; Tumor predisposition; Hereditary Cancer Syndrome; Hereditary neoplastic syndrome. Identifiers: Orphanet 140162, MedGen C0027672, MeSH D009386, MONDO:0015356.
Hereditary breast ovarian cancer syndrome. Also called: Hereditary breast and ovarian cancer; Hereditary breast and/or ovarian cancer syndrome; BRCA1- and BRCA2-Associated Hereditary Breast and Ovarian Cancer; Hereditary breast and ovarian cancer syndrome (HBOC); Hereditary breast and ovarian cancer syndrome; Breast and ovarian cancer. Identifiers: Orphanet 145, MedGen C0677776, MeSH D061325, MONDO:0003582. Disease mechanism: loss of function.

Allele frequency attached by ClinVar (database versions not stated): gnomAD exomes below 0.00001.
gnomAD v4.1: 2 of 1,614,152 alleles (0.00012%); highest among the groups gnomAD compares: South Asian, 0.0011%; no homozygotes.

Submissions (4):

Ambry Genetics
Classification: Uncertain significance for Hereditary cancer-predisposing syndrome. Last evaluated: 2024-08-19. Review status: criteria provided, single submitter. Criteria: Ambry Variant Classification Scheme 2023. Collection method: clinical testing. Allele origin: germline.
Comment: The p.N1215S variant (also known as c.3644A>G), located in coding exon 9 of the BRCA1 gene, results from an A to G substitution at nucleotide position 3644. The asparagine at codon 1215 is replaced by serine, an amino acid with highly similar properties. This amino acid position is not well conserved in available vertebrate species. In addition, this alteration is predicted to be tolerated by in silico analysis. Based on the available evidence, the clinical significance of this variant remains unclear.

Quest Diagnostics Nichols Institute San Juan Capistrano
Classification: Uncertain significance. Last evaluated: 2023-11-30. Review status: criteria provided, single submitter. Criteria: Quest Diagnostics criteria. Collection method: clinical testing. Allele origin: unknown.
Comment: The BRCA1 c.3644A>G (p.Asn1215Ser) variant has been reported in the published literature in an individual undergoing multigene panel testing due to personal or family history of cancer (PMID: 31853058 (2020)), and described to be located in a region of the BRCA1 gene that is tolerant to missense sequence changes (PMID: 31911673 (2020)). This variant has not been reported in large, multi-ethnic general populations (Genome Aggregation Database). Analysis of this variant using bioinformatics tools for the prediction of the effect of amino acid changes on protein structure and function yielded predictions that this variant is benign. Based on the available information, we are unable to determine the clinical significance of this variant.

University of Washington Department of Laboratory Medicine, University of Washington
Classification: Likely benign for Hereditary cancer-predisposing syndrome. Last evaluated: 2023-03-23. Review status: criteria provided, single submitter. Criteria: Dines et al. (Genet Med. 2020). Collection method: curation. Allele origin: germline.
Comment: Missense variant in a coldspot region where missense variants are very unlikely to be pathogenic (PMID:31911673).

BRCA1 coldspot (exon 11 using historical exon numbering). Reclassification based on statistical prior probability

Labcorp Genetics (formerly Invitae), Labcorp
Classification: Uncertain significance for Hereditary breast ovarian cancer syndrome. Last evaluated: 2022-07-21. Review status: criteria provided, single submitter. Criteria: Invitae Variant Classification Sherloc (09022015). Collection method: clinical testing. Allele origin: germline.
Comment: This sequence change replaces asparagine, which is neutral and polar, with serine, which is neutral and polar, at codon 1215 of the BRCA1 protein (p.Asn1215Ser). This variant is not present in population databases (gnomAD no frequency). This variant has not been reported in the literature in individuals affected with BRCA1-related conditions. ClinVar contains an entry for this variant (Variation ID: 186902). Advanced modeling of protein sequence and biophysical properties (such as structural, functional, and spatial information, amino acid conservation, physicochemical variation, residue mobility, and thermodynamic stability) performed at Invitae indicates that this missense variant is not expected to disrupt BRCA1 protein function. In summary, the available evidence is currently insufficient to determine the role of this variant in disease. Therefore, it has been classified as a Variant of Uncertain Significance.

Literature cited by the submitters: PubMed 31911673 (cited by Quest Diagnostics Nichols Institute San Juan Capistrano); PubMed 31853058 (cited by Quest Diagnostics Nichols Institute San Juan Capistrano).

NM_007294.4(BRCA1):c.3644A>G (p.Asn1215Ser)

Genes: BRCA1 (BRCA1 DNA repair associated; minus strand), LOC126862571 (BRD4-independent group 4 enhancer GRCh37_chr17:41243136-41244335; plus strand). Cytogenetic location: 17q21.31.
Variant type: single nucleotide variant.
Coding change: c.3644A>G on transcript NM_007294.4 (MANE Select); coding-DNA position 3644, A replaced by G.
Protein change: p.Asn1215Ser; replaces asparagine 1215 with serine.
Molecular consequence: missense variant. On other transcripts: intron variant (135).
Genome position (GRCh38, 1-based): chr17:43,091,887, T>C on the plus strand (A>G on the coding strand, the complement: BRCA1 is on the minus strand). VCF-style: chr17-43091887-T-C. GRCh37 (hg19) VCF-style: chr17-41243904-T-C.
Other names: c.3431A>G, p.Asn1144Ser (NM_001407571.1, NM_001407894.1, NM_001407895.1 and 9 more transcripts); c.3644A>G, p.Asn1215Ser (NM_001407581.1, NM_001407582.1, NM_001407583.1 and 30 more transcripts); c.3641A>G, p.Asn1214Ser (NM_001407587.1, NM_001407590.1, NM_001407591.1 and 22 more transcripts); c.3434A>G, p.Asn1145Ser (NM_001407885.1, NM_001407886.1, NM_001407887.1 and 13 more transcripts); c.3521A>G, p.Asn1174Ser (NM_001407919.1, NM_001407648.1, NM_001407664.1 and 19 more transcripts); c.3635A>G, p.Asn1212Ser (NM_001407646.1, NM_001407647.1); c.3380A>G, p.Asn1127Ser (NM_001407920.1, NM_001407921.1, NM_001407922.1 and 9 more transcripts); c.3518A>G, p.Asn1173Ser (NM_001407649.1, NM_001407940.1, NM_001407670.1 and 11 more transcripts); and 41 more; short protein forms N1215S, N1168S, N1104S, N1127S, N1088S, N1103S, N1214S, N919S.
Identifiers: ClinVar variation 186902 (VCV000186902.13), dbSNP rs786203310, ClinGen allele CA002333.